The following is an entry in ClinVar:

NM_004304.5(ALK):c.4337C>T (p.Thr1446Ile)

Gene: ALK (ALK receptor tyrosine kinase; minus strand). Cytogenetic location: 2p23.2.
Variant type: single nucleotide variant.
Coding change: c.4337C>T on transcript NM_004304.5 (MANE Select); coding-DNA position 4337, C replaced by T.
Protein change: p.Thr1446Ile; replaces threonine 1446 with isoleucine.
Molecular consequence: missense variant.
Genome position (GRCh38, 1-based): chr2:29,193,750, G>A on the plus strand (C>T on the coding strand, the complement: ALK is on the minus strand). VCF-style: chr2-29193750-G-A. GRCh37 (hg19) VCF-style: chr2-29416616-G-A.
Other names: c.1133C>T, p.Thr378Ile (NM_001353765.2); short protein forms T378I, T1446I.
Identifiers: ClinVar variation 839742 (VCV000839742.10), dbSNP rs1668948533, ClinGen allele CA346462592.

ClinVar aggregate classification (germline): Uncertain significance (1 of 4 stars; one submission).

Conditions:
Neuroblastoma, susceptibility to, 3. Also called: ALK-Related Neuroblastic Tumor Susceptibility. Identifiers: Orphanet 635, MedGen C2751681, MONDO:0013083, OMIM 613014.

Allele frequency attached by ClinVar (database versions not stated): gnomAD exomes below 0.00001.
gnomAD v4.1: 1 of 1,598,190 alleles (0.000063%); highest among the groups gnomAD compares: Non-Finnish European, 0.000085%; no homozygotes.

Submission:

Labcorp Genetics (formerly Invitae), Labcorp
Classification: Uncertain significance for Neuroblastoma, susceptibility to, 3. Last evaluated: 2019-12-14. Review status: criteria provided, single submitter. Criteria: Invitae Variant Classification Sherloc (09022015). Collection method: clinical testing. Allele origin: germline.
Comment: Algorithms developed to predict the effect of missense changes on protein structure and function are either unavailable or do not agree on the potential impact of this missense change (SIFT: "Deleterious"; PolyPhen-2: "Benign"; Align-GVGD: "Class C0"). In summary, the available evidence is currently insufficient to determine the role of this variant in disease. Therefore, it has been classified as a Variant of Uncertain Significance. This variant has not been reported in the literature in individuals with ALK-related conditions. This sequence change replaces threonine with isoleucine at codon 1446 of the ALK protein (p.Thr1446Ile). The threonine residue is weakly conserved and there is a moderate physicochemical difference between threonine and isoleucine. This variant is not present in population databases (ExAC no frequency).